The following is an entry in ClinVar:

ClinVar aggregate classification (germline): Likely benign. Review status: criteria provided, multiple submitters, no conflicts (2 of 4 stars). 2 submissions from 2 submitters: Likely benign (2). Last evaluated 2024-05-01.

gnomAD v4.1: 11 of 1,613,858 alleles (0.00068%); highest among the groups gnomAD compares: South Asian, 0.0011%; no homozygotes.

Submissions (2):

CeGaT Center for Human Genetics Tuebingen
Classification: Likely benign. Last evaluated: 2024-05-01. Review status: criteria provided, single submitter. Criteria: CeGaT Center For Human Genetics Tuebingen Variant Classification Criteria Version 2. Collection method: clinical testing. Allele origin: germline. Affected: yes. Observed: 1 variant allele.
Comment: MCPH1: BP4, BP7

Labcorp Genetics (formerly Invitae), Labcorp
Classification: Likely benign. Last evaluated: 2024-03-08. Review status: criteria provided, single submitter. Criteria: Invitae Variant Classification Sherloc (09022015). Collection method: clinical testing. Allele origin: germline.

NM_024596.5(MCPH1):c.1065G>A (p.Lys355=)

Gene: MCPH1 (microcephalin 1; plus strand). Cytogenetic location: 8p23.1.
Variant type: single nucleotide variant.
Coding change: c.1065G>A on transcript NM_024596.5 (MANE Select); coding-DNA position 1065, G replaced by A.
Protein change: p.Lys355=; no amino-acid change (lysine 355 retained).
Molecular consequence: synonymous variant. On other transcripts: non-coding transcript variant (1).
Genome position (GRCh38, 1-based): chr8:6,444,787, G>A. VCF-style: chr8-6444787-G-A. GRCh37 (hg19) VCF-style: chr8-6302308-G-A.
Other names: c.1065G>A, p.Lys355= (NM_001172574.2, NM_001322042.2, NM_001363979.1 and 3 more transcripts); c.921G>A, p.Lys307= (NM_001172575.2); c.1059G>A, p.Lys353= (NM_001322043.2); c.963G>A, p.Lys321= (NM_001322045.2).
Identifiers: ClinVar variation 2962284 (VCV002962284.22), dbSNP rs200976069, ClinGen allele CA4610450.